The following is an entry in ClinVar:

NM_000235.4(LIPA):c.1007C>T (p.Pro336Leu)

Gene: LIPA (lipase A, lysosomal acid type; minus strand). Cytogenetic location: 10q23.31.
Variant type: single nucleotide variant.
Coding change: c.1007C>T on transcript NM_000235.4 (MANE Select); coding-DNA position 1007, C replaced by T.
Protein change: p.Pro336Leu; replaces proline 336 with leucine.
Molecular consequence: missense variant.
Genome position (GRCh38, 1-based): chr10:89,215,021, G>A on the plus strand (C>T on the coding strand, the complement: LIPA is on the minus strand). VCF-style: chr10-89215021-G-A. GRCh37 (hg19) VCF-style: chr10-90974778-G-A.
Other names: c.1007C>T (NM_000235.3); c.1007C>T, p.Pro336Leu (NM_001127605.3); c.659C>T, p.Pro220Leu (NM_001288979.2); short protein forms P220L, P336L.
Identifiers: ClinVar variation 1787481 (VCV001787481.7), dbSNP rs770407719, ClinGen allele CA5593534.

ClinVar aggregate classification (germline): Uncertain significance. Review status: criteria provided, multiple submitters, no conflicts (2 of 4 stars). 3 submissions from 3 submitters: Uncertain significance (3). Last evaluated 2025-08-23.

Conditions:
LIPA-related disorder. Also called: LIPA-related condition; LIPA-related disorders.
Cardiovascular phenotype. Identifiers: MedGen CN230736.
Wolman disease (WOLD). Also called: Infantile-Onset LAL-D (Wolman Disease); Wolman disease, CESD; Wolman disease with hypolipoproteinemia and acanthocytosis; Acid cholesteryl ester hydrolase deficiency, Wolman type; Acid lipase disease; LYSOSOMAL ACID LIPASE DEFICIENCY, ACUTE INFANTILE. Identifiers: Orphanet 75233, MedGen C0043208, MONDO:0019148, OMIM 620151.

Allele frequency attached by ClinVar (database versions not stated): ExAC 0.00001; TOPMed 0.00004; gnomAD 0.00005; gnomAD exomes 0.00005.
gnomAD v4.1: 87 of 1,613,866 alleles (0.0054%); highest among the groups gnomAD compares: Non-Finnish European, 0.0059%; no homozygotes.

Submissions (3):

Ambry Genetics
Classification: Uncertain significance for Cardiovascular phenotype. Last evaluated: 2025-08-23. Review status: criteria provided, single submitter. Criteria: Ambry Variant Classification Scheme 2023. Collection method: clinical testing. Allele origin: germline.

PreventionGenetics, part of Exact Sciences
Classification: Uncertain significance for LIPA-related condition. Last evaluated: 2025-08-01. Review status: criteria provided, single submitter. Criteria: ACMG Guidelines, 2015. Collection method: clinical testing. Allele origin: germline.
Comment: The LIPA c.1007C>T variant is predicted to result in the amino acid substitution p.Pro336Leu. This variant was reported in the heterozygous state in an individual with hypercholesterolaemia, although conclusive evidence of pathogenicity was not presented (Vinje et al 2018. PubMed ID: 29196158). This variant is reported in 0.0080% of alleles in individuals of European (Finnish) descent in gnomAD (gnomad). At this time, the clinical significance of this variant is uncertain due to the absence of conclusive functional and genetic evidence.

Labcorp Genetics (formerly Invitae), Labcorp
Classification: Uncertain significance for Wolman disease. Last evaluated: 2024-12-02. Review status: criteria provided, single submitter. Criteria: Invitae Variant Classification Sherloc (09022015). Collection method: clinical testing. Allele origin: germline.
Comment: This sequence change replaces proline, which is neutral and non-polar, with leucine, which is neutral and non-polar, at codon 336 of the LIPA protein (p.Pro336Leu). This variant is present in population databases (rs770407719, gnomAD 0.008%). This missense change has been observed in individual(s) with hypercholesterolemia (PMID: 29196158). ClinVar contains an entry for this variant (Variation ID: 1787481). Invitae Evidence Modeling of protein sequence and biophysical properties (such as structural, functional, and spatial information, amino acid conservation, physicochemical variation, residue mobility, and thermodynamic stability) indicates that this missense variant is expected to disrupt LIPA protein function with a positive predictive value of 95%. Experimental studies are conflicting or provide insufficient evidence to determine the effect of this variant on LIPA function (PMID: 29196158). In summary, the available evidence is currently insufficient to determine the role of this variant in disease. Therefore, it has been classified as a Variant of Uncertain Significance.

Literature cited by the submitters: PubMed 29196158 (cited by Labcorp Genetics (formerly Invitae), Labcorp).